The following is an entry in ClinVar:

NM_007313.3(ABL1):c.128T>C (p.Val43Ala)

Genes: ABL1 (ABL proto-oncogene 1, non-receptor tyrosine kinase; plus strand), LOC107980440 (ABL breakpoint recombination region; plus strand). Cytogenetic location: 9q34.12.
Variant type: single nucleotide variant.
Coding change: c.128T>C on transcript NM_007313.3; coding-DNA position 128, T replaced by C.
Protein change: p.Val43Ala; replaces valine 43 with alanine.
Molecular consequence: missense variant.
Genome position (GRCh38, 1-based): chr9:130,714,447, T>C. VCF-style: chr9-130714447-T-C. GRCh37 (hg19) VCF-style: chr9-133589834-T-C.
Other names: short protein forms V43A.
Identifiers: ClinVar variation 3612220 (VCV003612220.2).

ClinVar aggregate classification (germline): Uncertain significance (1 of 4 stars; one submission).

gnomAD v4.1: 2 of 1,614,080 alleles (0.00012%); highest among the groups gnomAD compares: Non-Finnish European, 0.00017%; no homozygotes.

Submission:

Labcorp Genetics (formerly Invitae), Labcorp
Classification: Uncertain significance. Last evaluated: 2024-09-19. Review status: criteria provided, single submitter. Criteria: Invitae Variant Classification Sherloc (09022015). Collection method: clinical testing. Allele origin: germline.
Comment: This sequence change replaces valine, which is neutral and non-polar, with alanine, which is neutral and non-polar, at codon 43 of the ABL1 protein (p.Val43Ala). This variant is present in population databases (rs368254620, gnomAD 0.0009%). This variant has not been reported in the literature in individuals affected with ABL1-related conditions. Invitae Evidence Modeling of protein sequence and biophysical properties (such as structural, functional, and spatial information, amino acid conservation, physicochemical variation, residue mobility, and thermodynamic stability) indicates that this missense variant is not expected to disrupt ABL1 protein function with a negative predictive value of 80%. In summary, the available evidence is currently insufficient to determine the role of this variant in disease. Therefore, it has been classified as a Variant of Uncertain Significance.